The following is an entry in ClinVar:

NM_000142.5(FGFR3):c.2234T>A (p.Val745Glu)

Gene: FGFR3 (fibroblast growth factor receptor 3; plus strand). Cytogenetic location: 4p16.3.
Variant type: single nucleotide variant.
Coding change: c.2234T>A on transcript NM_000142.5 (MANE Select); coding-DNA position 2234, T replaced by A.
Protein change: p.Val745Glu; replaces valine 745 with glutamic acid.
Molecular consequence: missense variant. On other transcripts: synonymous variant (1), non-coding transcript variant (1).
Genome position (GRCh38, 1-based): chr4:1,806,894, T>A. VCF-style: chr4-1806894-T-A. GRCh37 (hg19) VCF-style: chr4-1808621-T-A.
Other names: p.Val745Glu; c.2240T>A, p.Val747Glu (NM_001163213.2); c.2237T>A, p.Val746Glu (NM_001354809.2); c.2166T>A, p.Gly722= (NM_001354810.2); c.1898T>A, p.Val633Glu (NM_022965.4); short protein forms V746E, V747E, V633E, V745E.
Identifiers: ClinVar variation 2360719 (VCV002360719.4), dbSNP rs2108814659, ClinGen allele CA355985501.
Genomic context (GRCh38, chr4:1,806,894, plus strand): 5'-TGATCATGCGGGAGTGCTGGCATGCCGCGCCCTCCCAGAGGCCCACCTTCAAGCAGCTGG[T>A]GGAGGACCTGGACCGTGTCCTTACCGTGACGTCCACCGACGTGAGTGCTGGCTCTGGCCT-3'
Protein context (NP_000133.1, residues 735-755): PSQRPTFKQL[Val745Glu]EDLDRVLTVT

ClinVar aggregate classification (germline): Uncertain significance. Review status: criteria provided, multiple submitters, no conflicts (2 of 4 stars). 2 submissions from 2 submitters: Uncertain significance (2). Last evaluated 2026-07-14.

Conditions:
Inborn genetic diseases. Identifiers: MedGen C0950123, MeSH D030342.
Achondroplasia (ACH). Also called: Achondroplastic dwarfism. Identifiers: Orphanet 15, MedGen C0001080, MONDO:0007037, OMIM 100800. Disease mechanism: gain of function.

Allele frequency attached by ClinVar (database versions not stated): gnomAD exomes below 0.00001.
gnomAD v4.1: 1 of 1,611,474 alleles (0.000062%); highest among the groups gnomAD compares: Non-Finnish European, 0.000085%; no homozygotes.

Submissions (2):

Department of Molecular Genetics, Istishari Arab Hospital
Classification: Uncertain significance for Achondroplasia. Last evaluated: 2026-07-14. Review status: criteria provided, single submitter. Criteria: ACMG Guidelines, 2015. Collection method: clinical testing. Allele origin: germline. Inheritance: Autosomal recessive inheritance. Affected: yes.
Comment: The FGFR3 variant c.2234T>A, p.Val745Glu creates an amino acid change from Val to Glu at position 745. This variant was observed with very low frequency in the gnomAD v4.1.0 dataset (<0.001), and to the best of our knowledge, it was not previously reported in literature. It is classified as uncertain significance according to the recommendations of ACMG/AMP/ClinGen SVI guidelines.

Ambry Genetics
Classification: Uncertain significance for Inborn genetic diseases. Last evaluated: 2022-04-22. Review status: criteria provided, single submitter. Criteria: Ambry Variant Classification Scheme 2023. Collection method: clinical testing. Allele origin: germline.